The following is an entry in ClinVar:

ClinVar aggregate classification (germline): Pathogenic (1 of 4 stars; one submission).

Conditions:
Inborn genetic diseases. Identifiers: MedGen C0950123, MeSH D030342.

Submission:

Ambry Genetics
Classification: Pathogenic for Inborn genetic diseases. Last evaluated: 2025-03-27. Review status: criteria provided, single submitter. Criteria: Ambry Variant Classification Scheme 2023. Collection method: clinical testing. Allele origin: germline.
Comment: The c.1599T>G (p.Y533*) alteration, located in exon 14 (coding exon 13) of the CHD2 gene, consists of a T to G substitution at nucleotide position 1599. This changes the amino acid from a tyrosine (Y) to a stop codon at amino acid position 533. This alteration is expected to result in loss of function by premature protein truncation or nonsense-mediated mRNA decay. This variant was not reported in population-based cohorts in the Genome Aggregation Database (gnomAD). Based on the available evidence, this alteration is classified as pathogenic.

NM_001271.4(CHD2):c.1599T>G (p.Tyr533Ter)

Gene: CHD2 (chromodomain helicase DNA binding protein 2; plus strand). Cytogenetic location: 15q26.1.
Variant type: single nucleotide variant.
Coding change: c.1599T>G on transcript NM_001271.4 (MANE Select); coding-DNA position 1599, T replaced by G.
Protein change: p.Tyr533Ter; replaces tyrosine 533 with a stop codon.
Molecular consequence: nonsense.
Genome position (GRCh38, 1-based): chr15:92,953,453, T>G. VCF-style: chr15-92953453-T-G. GRCh37 (hg19) VCF-style: chr15-93496683-T-G.
Other names: short protein forms Y533*.
Identifiers: ClinVar variation 4002098 (VCV004002098.1).
Genomic context (GRCh38, chr15:92,953,453, plus strand): 5'-AGGAAAGACCATCCAGACCATATCATTCCTCTCCTACCTGTTCCACCAACACCAGCTGTA[T>G]GGCCCCTTTCTTATAGTCGTCCCTTTATCCACCCTCACCTCATGGCAGAGAGAGTTTGAA-3'